The following is an entry in ClinVar:

ClinVar aggregate classification (germline): Uncertain significance. Review status: criteria provided, multiple submitters, no conflicts (2 of 4 stars). 4 submissions from 4 submitters: Uncertain significance (3). 1 of the submissions does not count toward it. Last evaluated 2024-03-19.

Conditions:
Hereditary cancer-predisposing syndrome. Also called: Hereditary Cancer Syndrome; Hereditary neoplastic syndrome; Neoplastic Syndromes, Hereditary; Tumor predisposition. Identifiers: Orphanet 140162, MedGen C0027672, MeSH D009386, MONDO:0015356.
Hereditary breast ovarian cancer syndrome. Also called: BRCA1- and BRCA2-Associated Hereditary Breast and Ovarian Cancer; Hereditary breast and ovarian cancer syndrome; Hereditary breast and ovarian cancer syndrome (HBOC); Breast and ovarian cancer; Hereditary breast and/or ovarian cancer syndrome; Hereditary breast and ovarian cancer. Identifiers: Orphanet 145, MedGen C0677776, MeSH D061325, MONDO:0003582. Disease mechanism: loss of function.
Breast-ovarian cancer, familial, susceptibility to, 1 (BROVCA1). Also called: BRCA1 Hereditary Breast and Ovarian Cancer; OVARIAN CANCER, SUSCEPTIBILITY TO. Identifiers: Orphanet 145, MedGen C2676676, MONDO:0011450, OMIM 604370. Disease mechanism: loss of function.

Allele frequency attached by ClinVar (database versions not stated): gnomAD 0.00001.

Submissions (4):

Women's Health and Genetics/Laboratory Corporation of America, LabCorp
Classification: Uncertain significance. Last evaluated: 2024-03-19. Review status: criteria provided, single submitter. Criteria: LabCorp Variant Classification Summary - May 2015. Collection method: clinical testing. Allele origin: germline.
Comment: Variant summary: BRCA1 c.4205A>G (p.His1402Arg) results in a non-conservative amino acid change in the encoded protein sequence. Three of four in-silico tools predict a benign effect of the variant on protein function. The variant was absent in 251354 control chromosomes. The available data on variant occurrences in the general population are insufficient to allow any conclusion about variant significance. c.4205A>G has been reported in the literature in individuals affected with Hereditary Breast And Ovarian Cancer Syndrome without strong evidence of causality (Judkins_2005). These report(s) do not provide unequivocal conclusions about association of the variant with Hereditary Breast And Ovarian Cancer Syndrome. A transcriptional activation study reports the variant to have similar to wild-type activity (Woods_2016). The following publications have been ascertained in the context of this evaluation (PMID: 16267036, 28781887). ClinVar contains an entry for this variant (Variation ID: 55141). Based on the evidence outlined above, the variant was classified as uncertain significance.

Ambry Genetics
Classification: Uncertain significance for Hereditary cancer-predisposing syndrome. Last evaluated: 2023-11-15. Review status: criteria provided, single submitter. Criteria: Ambry Variant Classification Scheme 2023. Collection method: clinical testing. Allele origin: germline.
Comment: The p.H1402R variant (also known as c.4205A>G), located in coding exon 11 of the BRCA1 gene, results from an A to G substitution at nucleotide position 4205. The histidine at codon 1402 is replaced by arginine, an amino acid with highly similar properties. This amino acid position is not well conserved in available vertebrate species. In addition, the in silico prediction for this alteration is inconclusive. Since supporting evidence is limited at this time, the clinical significance of this alteration remains unclear.

Labcorp Genetics (formerly Invitae), Labcorp
Classification: Uncertain significance for Hereditary breast ovarian cancer syndrome. Last evaluated: 2023-08-02. Review status: criteria provided, single submitter. Criteria: Invitae Variant Classification Sherloc (09022015). Collection method: clinical testing. Allele origin: germline.
Comment: This sequence change replaces histidine, which is basic and polar, with arginine, which is basic and polar, at codon 1402 of the BRCA1 protein (p.His1402Arg). In summary, the available evidence is currently insufficient to determine the role of this variant in disease. Therefore, it has been classified as a Variant of Uncertain Significance. Advanced modeling of protein sequence and biophysical properties (such as structural, functional, and spatial information, amino acid conservation, physicochemical variation, residue mobility, and thermodynamic stability) performed at Invitae indicates that this missense variant is not expected to disrupt BRCA1 protein function. ClinVar contains an entry for this variant (Variation ID: 55141). This variant has not been reported in the literature in individuals affected with BRCA1-related conditions. This variant is not present in population databases (gnomAD no frequency).

Breast Cancer Information Core (BIC) (BRCA1)
Classification: Uncertain significance for Breast-ovarian cancer, familial 1. Last evaluated: 2004-02-20. Review status: no assertion criteria provided. Collection method: clinical testing. Allele origin: germline. Affected: yes. Observed: 1 variant allele. Not counted in ClinVar's aggregate classification.

Literature cited by the submitters: PubMed 16267036 (cited by Women's Health and Genetics/Laboratory Corporation of America, LabCorp); PubMed 28781887 (cited by Women's Health and Genetics/Laboratory Corporation of America, LabCorp).

NM_007294.4(BRCA1):c.4205A>G (p.His1402Arg)

Gene: BRCA1 (BRCA1 DNA repair associated; minus strand). Cytogenetic location: 17q21.31.
Variant type: single nucleotide variant.
Coding change: c.4205A>G on transcript NM_007294.4 (MANE Select); coding-DNA position 4205, A replaced by G.
Protein change: p.His1402Arg; replaces histidine 1402 with arginine.
Molecular consequence: missense variant. On other transcripts: non-coding transcript variant (1).
Genome position (GRCh38, 1-based): chr17:43,082,556, T>C on the plus strand (A>G on the coding strand, the complement: BRCA1 is on the minus strand). VCF-style: chr17-43082556-T-C. GRCh37 (hg19) VCF-style: chr17-41234573-T-C.
Other names: c.4202A>G, p.His1401Arg (NM_001407610.1, NM_001407611.1, NM_001407612.1 and 21 more transcripts); c.4199A>G, p.His1400Arg (NM_001407644.1, NM_001407645.1, NM_001407627.1 and 5 more transcripts); c.4193A>G, p.His1398Arg (NM_001407646.1, NM_001407647.1); c.4082A>G, p.His1361Arg (NM_001407648.1, NM_001407664.1, NM_001407665.1 and 13 more transcripts); c.4079A>G, p.His1360Arg (NM_001407649.1, NM_001407670.1, NM_001407671.1 and 12 more transcripts); c.4205A>G, p.His1402Arg (NM_001407652.1, NM_001407684.1, NM_001407854.1 and 23 more transcripts); c.4127A>G, p.His1376Arg (NM_001407653.1, NM_001407654.1, NM_001407655.1 and 2 more transcripts); c.4124A>G, p.His1375Arg (NM_001407663.1, NM_001407656.1, NM_001407661.1 and 1 more transcripts); and 51 more; short protein forms H1402R, H299R, H1355R, H1106R, H1289R, H1291R, H1313R, H1331R.
Identifiers: ClinVar variation 55141 (VCV000055141.17), dbSNP rs80356882, ClinGen allele CA002708.
Genomic context (GRCh38, chr17:43,082,556, plus strand): 5'-CCATGCTGTTCTAACACAGCTTCTAGTTCAGCCATTTCCTGCTGGAGCTTTATCAGGTTA[T>C]GTTGCATGGTATCCCTCTGCTTCAAAAACGATAAATGGCACCAAGAAAATGAAATACTTT-3'
Protein context (NP_009225.1, residues 1392-1412): LTTQQRDTMQ[His1402Arg]NLIKLQQEMA